The following is an entry in ClinVar:

NM_021813.4(BACH2):c.1394_1402del (p.Gly465_Trp467del)

Gene: BACH2 (BACH transcriptional regulator 2; minus strand). Cytogenetic location: 6q15.
Variant type: Deletion.
Coding change: c.1394_1402del on transcript NM_021813.4 (MANE Select); coding-DNA positions 1394 to 1402, 9 bases deleted (GTCTGTGGG; older notation c.1394_1402delGTCTGTGGG).
Protein change: p.Gly465_Trp467del.
Molecular consequence: inframe deletion.
Genome position (GRCh38, 1-based): chr6:89,950,704-89,950,712, CCCACAGAC deleted on the plus strand (GTCTGTGGG on the coding strand, the reverse complement: BACH2 is on the minus strand); deleting any 9 consecutive bases within chr6:89,950,704-89,950,714 gives the same sequence; the c. name uses the placement nearest the transcript's 3' end. VCF-style (leftmost placement, unchanged base first): chr6-89950703-ACCCACAGAC-A. GRCh37 (hg19) VCF-style: chr6-90660422-ACCCACAGAC-A.
Other names: c.1394_1402del, p.Gly465_Trp467del (NM_001170794.2).
Identifiers: ClinVar variation 2696907 (VCV002696907.3), dbSNP rs2533565403, ClinGen allele CA2697553602.

ClinVar aggregate classification (germline): Uncertain significance (1 of 4 stars; one submission).

Submission:

Labcorp Genetics (formerly Invitae), Labcorp
Classification: Uncertain significance. Last evaluated: 2024-02-23. Review status: criteria provided, single submitter. Criteria: Invitae Variant Classification Sherloc (09022015). Collection method: clinical testing. Allele origin: germline.
Comment: This variant, c.1394_1402del, results in the deletion of 3 amino acid(s) of the BACH2 protein (p.Gly465_Trp467del), but otherwise preserves the integrity of the reading frame. This variant is not present in population databases (gnomAD no frequency). This variant has not been reported in the literature in individuals affected with BACH2-related conditions. Experimental studies and prediction algorithms are not available or were not evaluated, and the functional significance of this variant is currently unknown. In summary, the available evidence is currently insufficient to determine the role of this variant in disease. Therefore, it has been classified as a Variant of Uncertain Significance.